The following is an entry in ClinVar:

ClinVar aggregate classification (germline): Pathogenic. Review status: reviewed by expert panel (3 of 4 stars). 13 submissions from 13 submitters: Pathogenic (1). 12 of the submissions do not count toward it. Last evaluated 2016-09-08.

Conditions:
Hereditary cancer-predisposing syndrome. Also called: Neoplastic Syndromes, Hereditary; Hereditary neoplastic syndrome; Hereditary Cancer Syndrome; Tumor predisposition. Identifiers: Orphanet 140162, MedGen C0027672, MeSH D009386, MONDO:0015356.
Breast-ovarian cancer, familial, susceptibility to, 2 (BROVCA2). Also called: BRCA2 Hereditary Breast and Ovarian Cancer. Identifiers: Orphanet 145, MedGen C2675520, MONDO:0012933, OMIM 612555. Disease mechanism: loss of function.
Familial cancer of breast. Also called: Hereditary breast cancer; hereditary breast carcinoma; BREAST CANCER, FAMILIAL. Identifiers: Orphanet 227535, MedGen C0346153, MONDO:0016419, OMIM 114480. Disease mechanism: loss of function.
Hereditary breast ovarian cancer syndrome. Also called: Hereditary breast and ovarian cancer syndrome (HBOC); Breast and ovarian cancer; BRCA1- and BRCA2-Associated Hereditary Breast and Ovarian Cancer; Hereditary breast and ovarian cancer syndrome; Hereditary breast and ovarian cancer; Hereditary breast and/or ovarian cancer syndrome. Identifiers: Orphanet 145, MedGen C0677776, MeSH D061325, MONDO:0003582. Disease mechanism: loss of function.

Submissions (13):

Evidence-based Network for the Interpretation of Germline Mutant Alleles (ENIGMA)
Classification: Pathogenic for Breast-ovarian cancer, familial, susceptibility to, 2. Last evaluated: 2016-09-08. Review status: reviewed by expert panel. Criteria: ENIGMA BRCA1/2 Classification Criteria (2015). Collection method: curation. Allele origin: germline.
Comment: Variant allele predicted to encode a truncated non-functional protein.

Labcorp Genetics (formerly Invitae), Labcorp
Classification: Pathogenic for Hereditary breast ovarian cancer syndrome. Last evaluated: 2025-11-13. Review status: criteria provided, single submitter. Criteria: Invitae Variant Classification Sherloc (09022015). Collection method: clinical testing. Allele origin: germline. Not counted in ClinVar's aggregate classification.
Comment: This sequence change creates a premature translational stop signal (p.His1003Glnfs*5) in the BRCA2 gene. It is expected to result in an absent or disrupted protein product. Loss-of-function variants in BRCA2 are known to be pathogenic (PMID: 20104584). This variant is not present in population databases (gnomAD no frequency). This premature translational stop signal has been observed in individual(s) with clinical features of BRCA2-related conditions (PMID: 21520333). ClinVar contains an entry for this variant (Variation ID: 37814). For these reasons, this variant has been classified as Pathogenic.

Color Diagnostics, LLC DBA Color Health
Classification: Pathogenic for Hereditary cancer-predisposing syndrome. Last evaluated: 2024-11-25. Review status: criteria provided, single submitter. Criteria: ACMG Guidelines, 2015. Collection method: clinical testing. Allele origin: germline. Not counted in ClinVar's aggregate classification.
Comment: This variant deletes 2 nucleotides in exon 11 of the BRCA2 gene, creating a frameshift and premature translation stop signal. This variant is expected to result in an absent or non-functional protein product. This variant has been detected in an individual affected with pancreatic cancer (PMID: 26004055). This variant has not been identified in the general population by the Genome Aggregation Database (gnomAD). Loss of BRCA2 function is a known mechanism of disease. Based on the available evidence, this variant is classified as Pathogenic.

Quest Diagnostics Nichols Institute San Juan Capistrano
Classification: Pathogenic. Last evaluated: 2024-10-07. Review status: criteria provided, single submitter. Criteria: Quest Diagnostics criteria. Collection method: clinical testing. Allele origin: unknown. Not counted in ClinVar's aggregate classification.
Comment: The BRCA2 c.3009_3010del (p.His1003Glnfs*5) variant alters the translational reading frame of the BRCA2 mRNA and causes the premature termination of BRCA2 protein synthesis. This variant has been reported in the published literature in an individual with breast cancer (PMID: 32427313 (2020)) and pancreatic cancer (PMID: 26004055 (2016)). This variant has not been reported in large, multi-ethnic general populations (Genome Aggregation Database). Based on the available information, this variant is classified as pathogenic.

Baylor Genetics
Classification: Pathogenic for Familial cancer of breast. Last evaluated: 2024-02-06. Review status: criteria provided, single submitter. Criteria: ACMG Guidelines, 2015. Collection method: clinical testing. Allele origin: unknown. Not counted in ClinVar's aggregate classification.

All of Us Research Program, National Institutes of Health
Classification: Pathogenic for Breast-ovarian cancer, familial, susceptibility to, 2. Last evaluated: 2023-05-16. Review status: criteria provided, single submitter. Criteria: ACMG Guidelines, 2015. Collection method: clinical testing. Allele origin: germline. Inheritance: Autosomal dominant inheritance. Observed: 1 variant allele, 1 heterozygote. Not counted in ClinVar's aggregate classification.
Comment: This variant deletes 2 nucleotides in exon 11 of the BRCA2 gene, creating a frameshift and premature translation stop signal. This variant is expected to result in an absent or non-functional protein product. This variant has been detected in an individual affected with pancreatic cancer (PMID: 26004055). This variant has not been identified in the general population by the Genome Aggregation Database (gnomAD). Loss of BRCA2 function is a known mechanism of disease. Based on the available evidence, this variant is classified as Pathogenic.

This study involves interpretation of variants in research participants for the purpose of population health screening. Participant phenotype was not available at the time of variant classification. Additional details can be found in publication PMID: 35346344, PMCID: PMC8962531

Ambry Genetics
Classification: Pathogenic for Hereditary cancer-predisposing syndrome. Last evaluated: 2023-02-16. Review status: criteria provided, single submitter. Criteria: Ambry Variant Classification Scheme 2023. Collection method: clinical testing. Allele origin: germline. Not counted in ClinVar's aggregate classification.
Comment: The c.3009_3010delCA pathogenic mutation, located in coding exon 10 of the BRCA2 gene, results from a deletion of two nucleotides at nucleotide positions 3009 to 3010, causing a translational frameshift with a predicted alternate stop codon (p.H1003Qfs*5). This alteration was identified in multiple individuals with HBOC related cancers (Sharma et al. Acta Oncol 2016 May;55(3):377-81; Rebbeck et al. Hum. Mutat. 2018 05;39(5):593-620). This mutation was also described in the literature as c.3237_3238delCA. In addition to the clinical data presented in the literature, this alteration is expected to result in loss of function by premature protein truncation or nonsense-mediated mRNA decay. As such, this alteration is interpreted as a disease-causing mutation.

GeneDx
Classification: Pathogenic. Last evaluated: 2021-11-04. Review status: criteria provided, single submitter. Criteria: GeneDx Variant Classification Process June 2021. Collection method: clinical testing. Allele origin: germline. Affected: yes. Not counted in ClinVar's aggregate classification.
Comment: Frameshift variant predicted to result in protein truncation or nonsense mediated decay in a gene for which loss-of-function is a known mechanism of disease; Observed in individuals with a personal or family history of BRCA2-related cancers (Sharma et al., 2016; Palmer et al., 2020); Truncating variants in this gene are considered pathogenic by a well-established clinical consortium and/or database; Not observed at a significant frequency in large population cohorts (Lek et al., 2016); Also known as 3237_3238del; This variant is associated with the following publications: (PMID: 28152038, 32427313, 26004055)

Revvity Omics, Revvity
Classification: Pathogenic. Last evaluated: 2019-08-14. Review status: criteria provided, single submitter. Criteria: ACMG Guidelines, 2015. Collection method: clinical testing. Allele origin: germline. Not counted in ClinVar's aggregate classification.

Consortium of Investigators of Modifiers of BRCA1/2 (CIMBA), c/o University of Cambridge
Classification: Pathogenic for Breast-ovarian cancer, familial, susceptibility to, 2. Last evaluated: 2015-10-02. Review status: criteria provided, single submitter. Criteria: CIMBA Mutation Classification guidelines May 2016. Collection method: clinical testing. Allele origin: germline. Not counted in ClinVar's aggregate classification.

Juno Genomics, Hangzhou Juno Genomics, Inc
Classification: Pathogenic for Familial cancer of breast; Breast-ovarian cancer, familial, susceptibility to, 2. Review status: criteria provided, single submitter. Criteria: ACMG Guidelines, 2015. Collection method: clinical testing. Allele origin: germline. Not counted in ClinVar's aggregate classification.
Comment: Absent from controls (or at extremely low frequency if recessive) in Genome Aggregation Database.;Null variant in a gene where loss of function (LOF) is a known mechanism of disease.;The prevalence of the variant in affected individuals is significantly increased compared to the prevalence in controls.

Counsyl
Classification: Likely pathogenic for Breast-ovarian cancer, familial, susceptibility to, 2. Last evaluated: 2017-01-25. Review status: no assertion criteria provided. Collection method: clinical testing. Allele origin: unknown. Not counted in ClinVar's aggregate classification.

Sharing Clinical Reports Project (SCRP)
Classification: Pathogenic for Breast-ovarian cancer, familial 2. Last evaluated: 2011-08-09. Review status: no assertion criteria provided. Collection method: clinical testing. Allele origin: germline. Not counted in ClinVar's aggregate classification.

Literature cited by the submitters: PubMed 20104584 (cited by Labcorp Genetics (formerly Invitae), Labcorp); PubMed 21520333 (cited by Labcorp Genetics (formerly Invitae), Labcorp); PubMed 26004055 (cited by 4 submitters); PubMed 28152038 (cited by Quest Diagnostics Nichols Institute San Juan Capistrano); PubMed 32427313 (cited by Quest Diagnostics Nichols Institute San Juan Capistrano).

NM_000059.4(BRCA2):c.3009_3010del (p.His1003fs)

Gene: BRCA2 (BRCA2 DNA repair associated; plus strand). Cytogenetic location: 13q13.1.
Variant type: Microsatellite.
Coding change: c.3009_3010del on transcript NM_000059.4 (MANE Select); coding-DNA positions 3009 to 3010, 2 bases deleted (CA; older notation c.3009_3010delCA).
Protein change: p.His1003fs; shifts the reading frame from histidine 1003.
Molecular consequence: frameshift variant.
Genome position (GRCh38, 1-based): chr13:32,337,364-32,337,365, CA deleted; deleting any 2 consecutive bases within chr13:32,337,362-32,337,365 gives the same sequence; the c. name uses the placement nearest the transcript's 3' end. VCF-style (leftmost placement, unchanged base first): chr13-32337361-TCA-T. GRCh37 (hg19) VCF-style: chr13-32911498-TCA-T.
Other names: 3237delCA; c.3009_3010delCA (NM_000059.3); short protein forms H1003fs.
Identifiers: ClinVar variation 37814 (VCV000037814.37), dbSNP rs397507300, ClinGen allele CA017031.
Genomic context (GRCh38, chr13:32,337,361, plus strand): 5'-ACCAGAAAAAAATAATGATTACATGAACAAATGGGCAGGACTCTTAGGTCCAATTTCAAA[TCA>T]CAGTTTTGGAGGTAGCTTCAGAACAGCTTCAAATAAGGAAATCAAGCTCTCTGAACATAA-3'